The following is an entry in ClinVar:

NM_000821.7(GGCX):c.1896G>A (p.Gly632=)

Gene: GGCX (gamma-glutamyl carboxylase; minus strand). Cytogenetic location: 2p11.2.
Variant type: single nucleotide variant.
Coding change: c.1896G>A on transcript NM_000821.7 (MANE Select); coding-DNA position 1896, G replaced by A.
Protein change: p.Gly632=; no amino-acid change (glycine 632 retained).
Molecular consequence: synonymous variant.
Genome position (GRCh38, 1-based): chr2:85,550,743, C>T on the plus strand (G>A on the coding strand, the complement: GGCX is on the minus strand). VCF-style: chr2-85550743-C-T. GRCh37 (hg19) VCF-style: chr2-85777866-C-T.
Other names: c.1725G>A, p.Gly575= (NM_001142269.4).
Identifiers: ClinVar variation 3053161 (VCV003053161.2), dbSNP rs747656458, ClinGen allele CA1741689.

ClinVar aggregate classification (germline): Likely benign (0 of 4 stars; one submission).

Conditions:
GGCX-related disorder. Also called: GGCX-related condition; GGCX - Related Disorders.

Allele frequency attached by ClinVar (database versions not stated): ExAC 0.00001; gnomAD 0.00001.
gnomAD v4.1: 2 of 1,613,786 alleles (0.00012%); highest among the groups gnomAD compares: East Asian, 0.0045%; no homozygotes.

Submission:

PreventionGenetics, part of Exact Sciences
Classification: Likely benign for GGCX-related condition. Last evaluated: 2019-08-15. Review status: no assertion criteria provided. Collection method: clinical testing. Allele origin: germline.
Comment: This variant is classified as likely benign based on ACMG/AMP sequence variant interpretation guidelines (Richards et al. 2015 PMID: 25741868, with internal and published modifications).